The following is an entry in ClinVar:

NM_005618.4(DLL1):c.1116C>T (p.Asp372=)

Gene: DLL1 (delta like canonical Notch ligand 1; minus strand). Cytogenetic location: 6q27.
Variant type: single nucleotide variant.
Coding change: c.1116C>T on transcript NM_005618.4 (MANE Select); coding-DNA position 1116, C replaced by T.
Protein change: p.Asp372=; no amino-acid change (aspartic acid 372 retained).
Molecular consequence: synonymous variant.
Genome position (GRCh38, 1-based): chr6:170,285,052, G>A on the plus strand (C>T on the coding strand, the complement: DLL1 is on the minus strand). VCF-style: chr6-170285052-G-A. GRCh37 (hg19) VCF-style: chr6-170594140-G-A.
Identifiers: ClinVar variation 2046070 (VCV002046070.28), dbSNP rs757878599, ClinGen allele CA4106922.

ClinVar aggregate classification (germline): Likely benign. Review status: criteria provided, multiple submitters, no conflicts (2 of 4 stars). 2 submissions from 2 submitters: Likely benign (2). Last evaluated 2025-09-18.

Allele frequency attached by ClinVar (database versions not stated): ExAC 0.00003.
gnomAD v4.1: 136 of 1,614,022 alleles (0.0084%); highest among the groups gnomAD compares: Non-Finnish European, 0.01%; no homozygotes.

Submissions (2):

Labcorp Genetics (formerly Invitae), Labcorp
Classification: Likely benign. Last evaluated: 2025-09-18. Review status: criteria provided, single submitter. Criteria: Invitae Variant Classification Sherloc (09022015). Collection method: clinical testing. Allele origin: germline.

CeGaT Center for Human Genetics Tuebingen
Classification: Likely benign. Last evaluated: 2022-05-01. Review status: criteria provided, single submitter. Criteria: CeGaT Center For Human Genetics Tuebingen Variant Classification Criteria Version 2. Collection method: clinical testing. Allele origin: germline. Affected: yes. Observed: 1 variant allele.
Comment: DLL1: BP4, BP7